The following is an entry in ClinVar:

ClinVar aggregate classification (germline): Likely pathogenic. Review status: criteria provided, multiple submitters, no conflicts (2 of 4 stars). 5 submissions from 5 submitters: Likely pathogenic (5). Last evaluated 2026-03-02.

Conditions:
TTC21B-related disorder. Also called: TTC21B-related condition; TTC21B-related disorders.
Nephronophthisis. Also called: Juvenile Nephronophthisis. Identifiers: Orphanet 655, MedGen C0687120, MONDO:0019005, HP:0000090.
Jeune thoracic dystrophy. Also called: Short-rib thoracic dysplasia; Jeune syndrome; Infantile thoracic dystrophy; Thoracic pelvic phalangeal dystrophy; Jeune's syndrome; Chondroectodermal dysplasia-like syndrome. Identifiers: Orphanet 474, MedGen C0265275, MONDO:0018770.
Nephronophthisis 12 (NPHP12). Identifiers: Orphanet 655, MedGen C3151186, MONDO:0013442, OMIM 613820.
Asphyxiating thoracic dystrophy 4 (SRTD4). Also called: SHORT-RIB THORACIC DYSPLASIA 4 WITH OR WITHOUT POLYDACTYLY; SHORT-RIB THORACIC DYSPLASIA 4. Identifiers: Orphanet 474, MedGen C3151185, MONDO:0013441, OMIM 613819.

Allele frequency attached by ClinVar (database versions not stated): gnomAD 0.00001; TOPMed 0.00002.
gnomAD v4.1: 18 of 1,613,706 alleles (0.0011%); highest among the groups gnomAD compares: Non-Finnish European, 0.0015%; no homozygotes.

Submissions (5):

GeneDx
Classification: Likely pathogenic. Last evaluated: 2026-03-02. Review status: criteria provided, single submitter. Criteria: GeneDx Variant Classification Process June 2021. Collection method: clinical testing. Allele origin: germline. Affected: yes.
Comment: Reported de novo in a proband with autism, but further clinical information was not provided (PMID: 35982159); Canonical splice site variant predicted to result in a null allele in a gene for which loss of function is a known mechanism of disease; Not observed at significant frequency in large population cohorts (gnomAD); This variant is associated with the following publications: (PMID: 35982160, 35982159)

PreventionGenetics, part of Exact Sciences
Classification: Likely pathogenic for TTC21B-related condition. Last evaluated: 2025-11-03. Review status: criteria provided, single submitter. Criteria: ACMG Guidelines, 2015. Collection method: clinical testing. Allele origin: germline.
Comment: The TTC21B c.553-2A>G variant is predicted to disrupt the AG splice acceptor site and interfere with normal splicing. This variant has been documented in an autism spectrum disorders cohort (Supplementary Table 20 in Fu et al. 2022. PubMed ID: 35982160). This variant is reported in 0.0023% of alleles in individuals of European (Non-Finnish) descent in gnomAD. Variants that disrupt the consensus splice acceptor site in TTC21B are expected to be pathogenic. This variant is interpreted as likely pathogenic.

Labcorp Genetics (formerly Invitae), Labcorp
Classification: Likely pathogenic for Jeune thoracic dystrophy; Nephronophthisis. Last evaluated: 2025-08-11. Review status: criteria provided, single submitter. Criteria: Invitae Variant Classification Sherloc (09022015). Collection method: clinical testing. Allele origin: germline.
Comment: This sequence change affects an acceptor splice site in intron 5 of the TTC21B gene. It is expected to disrupt RNA splicing. Variants that disrupt the donor or acceptor splice site typically lead to a loss of protein function (PMID: 16199547), and loss-of-function variants in TTC21B are known to be pathogenic (PMID: 18327258, 21068128, 21258341, 23559409, 24876116, 25492405, 27491411, 29068549). This variant is present in population databases (rs773580610, gnomAD 0.002%). Disruption of this splice site has been observed in individual(s) with clinical features of TTC21B-related conditions (PMID: 33323469). ClinVar contains an entry for this variant (Variation ID: 423908). Algorithms developed to predict the effect of sequence changes on RNA splicing suggest that this variant may disrupt the consensus splice site. In summary, the currently available evidence indicates that the variant is pathogenic, but additional data are needed to prove that conclusively. Therefore, this variant has been classified as Likely Pathogenic.

Fulgent Genetics
Classification: Likely pathogenic for Asphyxiating thoracic dystrophy 4; Nephronophthisis 12. Last evaluated: 2024-05-30. Review status: criteria provided, single submitter. Criteria: ACMG Guidelines, 2015. Collection method: clinical testing. Allele origin: germline.

Blueprint Genetics
Classification: Likely pathogenic for TTC21B-related disorders. Last evaluated: 2024-03-16. Review status: criteria provided, single submitter. Criteria: ACMG Guidelines, 2015. Collection method: clinical testing. Allele origin: germline. Affected: yes. Observed: 3 variant alleles.

Literature cited by the submitters: PubMed 16199547 (cited by Labcorp Genetics (formerly Invitae), Labcorp); PubMed 18327258 (cited by Labcorp Genetics (formerly Invitae), Labcorp); PubMed 21068128 (cited by Labcorp Genetics (formerly Invitae), Labcorp); PubMed 21258341 (cited by Labcorp Genetics (formerly Invitae), Labcorp); PubMed 23559409 (cited by Labcorp Genetics (formerly Invitae), Labcorp); PubMed 24876116 (cited by Labcorp Genetics (formerly Invitae), Labcorp); PubMed 25492405 (cited by Labcorp Genetics (formerly Invitae), Labcorp); PubMed 27491411 (cited by Labcorp Genetics (formerly Invitae), Labcorp); PubMed 29068549 (cited by Labcorp Genetics (formerly Invitae), Labcorp); PubMed 33323469 (cited by Labcorp Genetics (formerly Invitae), Labcorp).

NM_024753.5(TTC21B):c.553-2A>G

Genes: TTC21B (tetratricopeptide repeat domain 21B; minus strand), TTC21B-AS1 (TTC21B antisense RNA 1; plus strand). Cytogenetic location: 2q24.3.
Variant type: single nucleotide variant.
Coding change: c.553-2A>G on transcript NM_024753.5 (MANE Select); the canonical splice acceptor site of the intron before coding-DNA position 553, A replaced by G.
Molecular consequence: splice acceptor variant.
Genome position (GRCh38, 1-based): chr2:165,941,186, T>C on the plus strand (A>G on the coding strand, the complement: TTC21B is on the minus strand). VCF-style: chr2-165941186-T-C. GRCh37 (hg19) VCF-style: chr2-166797696-T-C.
Identifiers: ClinVar variation 423908 (VCV000423908.13), dbSNP rs773580610, ClinGen allele CA1942393.